The following is an entry in ClinVar:

NM_000094.4(COL7A1):c.2521T>A (p.Ser841Thr)

Gene: COL7A1 (collagen type VII alpha 1 chain; minus strand). Cytogenetic location: 3p21.31.
Variant type: single nucleotide variant.
Coding change: c.2521T>A on transcript NM_000094.4 (MANE Select); coding-DNA position 2521, T replaced by A.
Protein change: p.Ser841Thr; replaces serine 841 with threonine.
Molecular consequence: missense variant.
Genome position (GRCh38, 1-based): chr3:48,588,708, A>T on the plus strand (T>A on the coding strand, the complement: COL7A1 is on the minus strand). VCF-style: chr3-48588708-A-T. GRCh37 (hg19) VCF-style: chr3-48626141-A-T.
Other names: short protein forms S841T.
Identifiers: ClinVar variation 3268857 (VCV003268857.2).
Genomic context (GRCh38, chr3:48,588,708, plus strand): 5'-TGACAACAATGGAGACAGGTGTGCCCTCGCGGTCCCCGACAAGTGCAGTCACTCGCACTG[A>T]GTAGCTGACTCCACCTTCGAGACCCCGGATCTCTGCAGAGTCTGTGTTTCCTGGGAGTAT-3'
Protein context (NP_000085.1, residues 831-851): IRGLEGGVSY[Ser841Thr]VRVTALVGDR

ClinVar aggregate classification (germline): Uncertain significance. Review status: criteria provided, multiple submitters, no conflicts (2 of 4 stars). 2 submissions from 2 submitters: Uncertain significance (2). Last evaluated 2025-08-11.

Conditions:
Inborn genetic diseases. Identifiers: MedGen C0950123, MeSH D030342.

gnomAD v4.1: 1 of 1,613,782 alleles (0.000062%); highest among the groups gnomAD compares: East Asian, 0.0022%; no homozygotes.

Submissions (2):

Labcorp Genetics (formerly Invitae), Labcorp
Classification: Uncertain significance. Last evaluated: 2025-08-11. Review status: criteria provided, single submitter. Criteria: Invitae Variant Classification Sherloc (09022015). Collection method: clinical testing. Allele origin: germline.
Comment: This sequence change replaces serine, which is neutral and polar, with threonine, which is neutral and polar, at codon 841 of the COL7A1 protein (p.Ser841Thr). This variant is not present in population databases (gnomAD no frequency). This variant has not been reported in the literature in individuals affected with COL7A1-related conditions. ClinVar contains an entry for this variant (Variation ID: 3268857). Invitae Evidence Modeling of protein sequence and biophysical properties (such as structural, functional, and spatial information, amino acid conservation, physicochemical variation, residue mobility, and thermodynamic stability) indicates that this missense variant is not expected to disrupt COL7A1 protein function with a negative predictive value of 95%. In summary, the available evidence is currently insufficient to determine the role of this variant in disease. Therefore, it has been classified as a Variant of Uncertain Significance.

Ambry Genetics
Classification: Uncertain significance for Inborn genetic diseases. Last evaluated: 2024-03-20. Review status: criteria provided, single submitter. Criteria: Ambry Variant Classification Scheme 2023. Collection method: clinical testing. Allele origin: germline.